The following is an entry in ClinVar:

ClinVar aggregate classification (germline): Likely pathogenic (1 of 4 stars; one submission).

Conditions:
Peroxisome biogenesis disorder 7A (Zellweger). Also called: Peroxisome biogenesis disorder 7A. Identifiers: Orphanet 912, MedGen C3888385, MONDO:0013938, OMIM 614872.
Peroxisome biogenesis disorder 7B (PBD7B). Identifiers: Orphanet 44, MedGen C3553951, MONDO:0013939, OMIM 614873.

Submission:

Labcorp Genetics (formerly Invitae), Labcorp
Classification: Likely pathogenic for Peroxisome biogenesis disorder 7A (Zellweger); Peroxisome biogenesis disorder 7B. Last evaluated: 2022-01-29. Review status: criteria provided, single submitter. Criteria: Invitae Variant Classification Sherloc (09022015). Collection method: clinical testing. Allele origin: germline.
Comment: In summary, the currently available evidence indicates that the variant is pathogenic, but additional data are needed to prove that conclusively. Therefore, this variant has been classified as Likely Pathogenic. Algorithms developed to predict the effect of sequence changes on RNA splicing suggest that this variant may create or strengthen a splice site. This premature translational stop signal has been observed in individual(s) with clinical features of Zellweger Syndrome (Invitae). In at least one individual the data is consistent with being in trans (on the opposite chromosome) from a pathogenic variant. This variant is not present in population databases (gnomAD no frequency). This sequence change creates a premature translational stop signal (p.Cys263Trpfs*2) in the PEX26 gene. While this is not anticipated to result in nonsense mediated decay, it is expected to disrupt the last 43 amino acid(s) of the PEX26 protein.

NM_001127649.3(PEX26):c.789_798del (p.Cys263fs)

Gene: PEX26 (peroxisomal biogenesis factor 26; plus strand). Cytogenetic location: 22q11.21.
Variant type: Deletion.
Coding change: c.789_798del on transcript NM_001127649.3 (MANE Select); coding-DNA positions 789 to 798, 10 bases deleted (TCTCCTGGTG; older notation c.789_798delTCTCCTGGTG).
Protein change: p.Cys263fs; shifts the reading frame from cysteine 263.
Molecular consequence: frameshift variant. On other transcripts: intron variant (1).
Genome position (GRCh38, 1-based): chr22:18,085,233-18,085,242, TCTCCTGGTG deleted; deleting any 10 consecutive bases within chr22:18,085,231-18,085,242 gives the same sequence; the c. name uses the placement nearest the transcript's 3' end. VCF-style (leftmost placement, unchanged base first): chr22-18085230-CTGTCTCCTGG-C. GRCh37 (hg19) VCF-style: chr22-18567996-CTGTCTCCTGG-C.
Other names: c.789_798del, p.Cys263fs (NM_017929.6); c.667+1501_667+1510del (NM_001199319.2); short protein forms C263fs.
Identifiers: ClinVar variation 1396192 (VCV001396192.8), dbSNP rs1926794975, ClinGen allele CA1024004460.